The following is an entry in ClinVar:

NM_024665.7(TBL1XR1):c.703-3C>T

Genes: TBL1XR1 (TBL1X/Y related 1; minus strand), TBL1XR1-AS1 (TBL1XR1 antisense RNA 1; plus strand). Cytogenetic location: 3q26.32.
Variant type: single nucleotide variant.
Coding change: c.703-3C>T on transcript NM_024665.7 (MANE Select); 3 bases into the intron before coding-DNA position 703, C replaced by T.
Molecular consequence: intron variant.
Genome position (GRCh38, 1-based): chr3:177,047,552, G>A on the plus strand (C>T on the coding strand, the complement: TBL1XR1 is on the minus strand). VCF-style: chr3-177047552-G-A. GRCh37 (hg19) VCF-style: chr3-176765340-G-A.
Other names: c.703-3C>T (NM_001374327.1, NM_001321194.3, NM_001321193.3 and 2 more transcripts); c.442-3C>T (NM_001374330.1, NM_001321195.3).
Identifiers: ClinVar variation 4806209 (VCV004806209.1).

ClinVar aggregate classification (germline): Uncertain significance (1 of 4 stars; one submission).

Conditions:
Pierpont syndrome (PRPTS). Identifiers: Orphanet 487825, MedGen C1865644, MONDO:0011213, OMIM 602342.

Submission:

Labcorp Genetics (formerly Invitae), Labcorp
Classification: Uncertain significance for Pierpont syndrome. Last evaluated: 2025-02-23. Review status: criteria provided, single submitter. Criteria: Invitae Variant Classification Sherloc (09022015). Collection method: clinical testing. Allele origin: germline.
Comment: This sequence change falls in intron 7 of the TBL1XR1 gene. It does not directly change the encoded amino acid sequence of the TBL1XR1 protein. It affects a nucleotide within the consensus splice site. This variant is not present in population databases (gnomAD no frequency). This variant has not been reported in the literature in individuals affected with TBL1XR1-related conditions. Variants that disrupt the consensus splice site are a relatively common cause of aberrant splicing (PMID: 17576681, 9536098). Algorithms developed to predict the effect of sequence changes on RNA splicing suggest that this variant may disrupt the consensus splice site. In summary, the available evidence is currently insufficient to determine the role of this variant in disease. Therefore, it has been classified as a Variant of Uncertain Significance.

Literature cited by the submitters: PubMed 17576681; PubMed 9536098.